The following is an entry in ClinVar:

NM_001904.4(CTNNB1):c.97_180del (p.Ser33_Ser60del)

Genes: CTNNB1 (catenin beta 1; plus strand), LOC126806658 (BRD4-independent group 4 enhancer GRCh37_chr3:41265899-41267098; plus strand). Cytogenetic location: 3p22.1.
Variant type: Deletion.
Coding change: c.97_180del on transcript NM_001904.4 (MANE Select); coding-DNA positions 97 to 180, 84 bases deleted.
Protein change: p.Ser33_Ser60del.
Genome position (GRCh38, 1-based): chr3:41,224,609-41,224,692, 84 bases deleted. GRCh37 (hg19): chr3:41,266,100-41,266,183.
Other names: c.97_180del, p.Ser33_Ser60del (NM_001098209.2, NM_001098210.2, NM_001438871.1 and 4 more transcripts); c.76_159del, p.Ser26_Ser53del (NM_001330729.2).
Identifiers: ClinVar variation 4530144 (VCV004530144.1).

ClinVar aggregate classification (somatic clinical impact): Tier I - Strong (1 of 4 stars; one submission).

Conditions:
Hepatoblastoma. Identifiers: Orphanet 449, MedGen C0206624, MONDO:0018666, HP:0002884.

Submission:

Institute for Genomic Medicine (IGM) Clinical Laboratory, Nationwide Children's Hospital
Classification: Tier I - Strong for Hepatoblastoma. Assertion type: diagnostic. Clinical significance: supports diagnosis. Last evaluated: 2025-01-20. Review status: criteria provided, single submitter. Criteria: AMP/ASCO/CAP Guidelines, 2017. Collection method: clinical testing. Allele origin: somatic. Affected: yes.
Comment: Variant has Tier I (strong) clinical significance as a diagnostic inclusion criterion in hepatoblastoma, based on the following evidence: 1) Documented in one or more cancer databases (e.g., St. Jude Pecan, COSMIC, CIViC, OncoKB). 2) Appears in one or more well-established professional guidelines (e.g., World Health Organization [WHO]; National Comprehensive Cancer Network [NCCN]) as providing diagnostic, prognostic, or therapeutic information. 3) Diagnostic for a specific tumor type/classification according to professional guidelines (Evidence Level A; PMIDs: 10398436, 24322718, 25135868, 34538872).

Literature cited by the submitters: PubMed 10398436; PubMed 24322718; PubMed 25135868; PubMed 34538872.